The following is an entry in ClinVar:

ClinVar aggregate classification (germline): Uncertain significance (1 of 4 stars; one submission).

Allele frequency attached by ClinVar (database versions not stated): gnomAD exomes below 0.00001.
gnomAD v4.1: 1 of 1,611,998 alleles (0.000062%); highest among the groups gnomAD compares: South Asian, 0.0011%; no homozygotes.

Submission:

Labcorp Genetics (formerly Invitae), Labcorp
Classification: Uncertain significance. Last evaluated: 2021-08-08. Review status: criteria provided, single submitter. Criteria: Invitae Variant Classification Sherloc (09022015). Collection method: clinical testing. Allele origin: germline.
Comment: In summary, the available evidence is currently insufficient to determine the role of this variant in disease. Therefore, it has been classified as a Variant of Uncertain Significance. Algorithms developed to predict the effect of missense changes on protein structure and function are either unavailable or do not agree on the potential impact of this missense change (SIFT: "Not Available"; PolyPhen-2: "Benign"; Align-GVGD: "Not Available"). This variant has not been reported in the literature in individuals affected with TCF3-related conditions. This variant is not present in population databases (ExAC no frequency). This sequence change replaces glycine with aspartic acid at codon 103 of the TCF3 protein (p.Gly103Asp). The glycine residue is weakly conserved and there is a moderate physicochemical difference between glycine and aspartic acid.

NM_003200.5(TCF3):c.308G>A (p.Gly103Asp)

Gene: TCF3 (transcription factor 3; minus strand). Cytogenetic location: 19p13.3.
Variant type: single nucleotide variant.
Coding change: c.308G>A on transcript NM_003200.5 (MANE Select); coding-DNA position 308, G replaced by A.
Protein change: p.Gly103Asp; replaces glycine 103 with aspartic acid.
Molecular consequence: missense variant.
Genome position (GRCh38, 1-based): chr19:1,627,417, C>T on the plus strand (G>A on the coding strand, the complement: TCF3 is on the minus strand). VCF-style: chr19-1627417-C-T. GRCh37 (hg19) VCF-style: chr19-1627416-C-T.
Other names: c.308G>A, p.Gly103Asp (NM_001136139.4, NM_001351778.2, NM_001351779.2); short protein forms G103D.
Identifiers: ClinVar variation 1477613 (VCV001477613.6), dbSNP rs2144613219, ClinGen allele CA403057425.